The following is an entry in ClinVar:

ClinVar aggregate classification (germline): Pathogenic. Review status: reviewed by expert panel (3 of 4 stars). 8 submissions from 8 submitters: Pathogenic (1). 7 of the submissions do not count toward it. Last evaluated 2016-09-08.

Conditions:
Hereditary cancer-predisposing syndrome. Also called: Tumor predisposition; Neoplastic Syndromes, Hereditary; Hereditary Cancer Syndrome; Hereditary neoplastic syndrome. Identifiers: Orphanet 140162, MedGen C0027672, MeSH D009386, MONDO:0015356.
Hereditary breast ovarian cancer syndrome. Also called: Hereditary breast and ovarian cancer syndrome (HBOC); Hereditary breast and ovarian cancer syndrome; Hereditary breast and ovarian cancer; Hereditary breast and/or ovarian cancer syndrome; Breast and ovarian cancer; BRCA1- and BRCA2-Associated Hereditary Breast and Ovarian Cancer. Identifiers: Orphanet 145, MedGen C0677776, MeSH D061325, MONDO:0003582. Disease mechanism: loss of function.
Breast-ovarian cancer, familial, susceptibility to, 1 (BROVCA1). Also called: OVARIAN CANCER, SUSCEPTIBILITY TO; BRCA1 Hereditary Breast and Ovarian Cancer. Identifiers: Orphanet 145, MedGen C2676676, MONDO:0011450, OMIM 604370. Disease mechanism: loss of function.

Submissions (8):

Evidence-based Network for the Interpretation of Germline Mutant Alleles (ENIGMA)
Classification: Pathogenic for Breast-ovarian cancer, familial, susceptibility to, 1. Last evaluated: 2016-09-08. Review status: reviewed by expert panel. Criteria: ENIGMA BRCA1/2 Classification Criteria (2015). Collection method: curation. Allele origin: germline.
Comment: Variant allele predicted to encode a truncated non-functional protein.

Labcorp Genetics (formerly Invitae), Labcorp
Classification: Pathogenic for Hereditary breast ovarian cancer syndrome. Last evaluated: 2024-06-18. Review status: criteria provided, single submitter. Criteria: Invitae Variant Classification Sherloc (09022015). Collection method: clinical testing. Allele origin: germline. Not counted in ClinVar's aggregate classification.
Comment: This sequence change creates a premature translational stop signal (p.Ser784Trpfs*6) in the BRCA1 gene. It is expected to result in an absent or disrupted protein product. Loss-of-function variants in BRCA1 are known to be pathogenic (PMID: 20104584). This variant is not present in population databases (gnomAD no frequency). This premature translational stop signal has been observed in individual(s) with breast and/or ovarian cancer (PMID: 17574839, 29339979). This variant is also known as c.2470del7. ClinVar contains an entry for this variant (Variation ID: 54544). For these reasons, this variant has been classified as Pathogenic.

GeneDx
Classification: Pathogenic. Last evaluated: 2023-12-05. Review status: criteria provided, single submitter. Criteria: GeneDx Variant Classification Process June 2021. Collection method: clinical testing. Allele origin: germline. Affected: yes. Not counted in ClinVar's aggregate classification.
Comment: Truncating variants in this gene are considered pathogenic by a well-established clinical consortium and/or database; Frameshift variant predicted to result in protein truncation or nonsense mediated decay in a gene for which loss-of-function is a known mechanism of disease; Not observed in large population cohorts (gnomAD); Also known as 2470_2476delCGTTACT; This variant is associated with the following publications: (PMID: 17574839, 29339979, 30678073, 32050665, 20104584, 35216584)

Ambry Genetics
Classification: Pathogenic for Hereditary cancer-predisposing syndrome. Last evaluated: 2021-06-25. Review status: criteria provided, single submitter. Criteria: Ambry Variant Classification Scheme 2023. Collection method: clinical testing. Allele origin: germline. Not counted in ClinVar's aggregate classification.
Comment: The c.2351_2357delCGTTACT pathogenic mutation, located in coding exon 9 of the BRCA1 gene, results from a deletion of 7 nucleotides at nucleotide positions 2351 to 2357, causing a translational frameshift with a predicted alternate stop codon (p.S784Wfs*6). This mutation has been reported in multiple Norwegian HBOC families (M&oslash;ller P et al. Eur J Cancer, 2007 Jul;43:1713-7; Heramb C et al. Hered Cancer Clin Pract, 2018 Jan;16:3). Of note, this alteration is also designated as 2470del7 in published literature. In addition to the clinical data presented in the literature, this alteration is expected to result in loss of function by premature protein truncation or nonsense-mediated mRNA decay. As such, this alteration is interpreted as a disease-causing mutation.

Color Diagnostics, LLC DBA Color Health
Classification: Pathogenic for Hereditary cancer-predisposing syndrome. Last evaluated: 2020-01-15. Review status: criteria provided, single submitter. Criteria: ACMG Guidelines, 2015. Collection method: clinical testing. Allele origin: germline. Not counted in ClinVar's aggregate classification.
Comment: This variant deletes 7 nucleotides in exon 10 of the BRCA1 gene, creating a frameshift and premature translation stop signal. This variant is expected to result in an absent or non-functional protein product. This variant has not been identified in the general population by the Genome Aggregation Database (gnomAD). Loss of BRCA1 function is a known mechanism of disease. Based on the available evidence, this variant is classified as Pathogenic.

Department of Medical Genetics, Oslo University Hospital
Classification: Pathogenic for Breast-ovarian cancer, familial, susceptibility to, 1. Last evaluated: 2015-07-01. Review status: criteria provided, single submitter. Criteria: ACMG Guidelines, 2015. Collection method: clinical testing. Allele origin: germline. Affected: yes. Observed: 54 variant alleles. Not counted in ClinVar's aggregate classification.

Research Molecular Genetics Laboratory, Women's College Hospital, University of Toronto
Classification: Pathogenic for Hereditary breast ovarian cancer syndrome. Last evaluated: 2014-01-31. Review status: no assertion criteria provided. Collection method: research. Allele origin: germline. Affected: yes. Study: The Canadian Open Genetics Repository (COGR). Not counted in ClinVar's aggregate classification.

Breast Cancer Information Core (BIC) (BRCA1)
Classification: Pathogenic for Breast-ovarian cancer, familial 1. Last evaluated: 2002-05-29. Review status: no assertion criteria provided. Collection method: clinical testing. Allele origin: germline. Affected: yes. Observed: 5 variant alleles. Not counted in ClinVar's aggregate classification.

Literature cited by the submitters: PubMed 20104584 (cited by Labcorp Genetics (formerly Invitae), Labcorp); PubMed 17574839 (cited by Labcorp Genetics (formerly Invitae), Labcorp and Ambry Genetics); PubMed 29339979 (cited by Labcorp Genetics (formerly Invitae), Labcorp and Ambry Genetics).

NM_007294.4(BRCA1):c.2351_2357del (p.Ser784fs)

Gene: BRCA1 (BRCA1 DNA repair associated; minus strand). Cytogenetic location: 17q21.31.
Variant type: Deletion.
Coding change: c.2351_2357del on transcript NM_007294.4 (MANE Select); coding-DNA positions 2351 to 2357, 7 bases deleted (CGTTACT; older notation c.2351_2357delCGTTACT).
Protein change: p.Ser784fs; shifts the reading frame from serine 784.
Molecular consequence: frameshift variant. On other transcripts: intron variant (137).
Genome position (GRCh38, 1-based): chr17:43,093,174-43,093,180, AGTAACG deleted on the plus strand (CGTTACT on the coding strand, the reverse complement: BRCA1 is on the minus strand); deleting any 7 consecutive bases within chr17:43,093,174-43,093,182 gives the same sequence; the c. name uses the placement nearest the transcript's 3' end. VCF-style (leftmost placement, unchanged base first): chr17-43093173-CAGTAACG-C. GRCh37 (hg19) VCF-style: chr17-41245190-CAGTAACG-C.
Other names: 2470del7; c.2351_2357delCGTTACT (NM_007294.3); c.2138_2144del, p.Ser713fs (NM_001407571.1, NM_001407853.1, NM_001407894.1 and 9 more transcripts); c.2351_2357del, p.Ser784fs (NM_001407581.1, NM_001407582.1, NM_001407583.1 and 30 more transcripts); c.2348_2354del, p.Ser783fs (NM_001407587.1, NM_001407590.1, NM_001407591.1 and 22 more transcripts); c.2342_2348del, p.Ser781fs (NM_001407646.1, NM_001407647.1); c.2228_2234del, p.Ser743fs (NM_001407648.1, NM_001407664.1, NM_001407665.1 and 19 more transcripts); c.2225_2231del, p.Ser742fs (NM_001407649.1, NM_001407670.1, NM_001407671.1 and 11 more transcripts); and 43 more; short protein forms S737fs, S784fs, S616fs, S656fs, S657fs, S672fs, S696fs, S757fs.
Identifiers: ClinVar variation 54544 (VCV000054544.21), dbSNP rs80357820, ClinGen allele CA001568.